The following is an entry in ClinVar:

ClinVar aggregate classification (germline): Uncertain significance. Review status: criteria provided, multiple submitters, no conflicts (2 of 4 stars). 7 submissions from 7 submitters: Uncertain significance (6). 1 of the submissions does not count toward it. Last evaluated 2026-01-08.

Conditions:
Hereditary cancer-predisposing syndrome. Also called: Neoplastic Syndromes, Hereditary; Tumor predisposition; Hereditary neoplastic syndrome; Hereditary Cancer Syndrome. Identifiers: Orphanet 140162, MedGen C0027672, MeSH D009386, MONDO:0015356.
Colorectal cancer. Also called: Colorectal cancer, somatic; Malignant Colorectal Neoplasm. Identifiers: MedGen C0346629, MONDO:0005575, OMIM 114500.
Bloom syndrome (BLM). Also called: Bloom-Torre-Machacek syndrome. Identifiers: Orphanet 125, MedGen C0005859, MONDO:0008876, OMIM 210900.

Allele frequency attached by ClinVar (database versions not stated): gnomAD exomes below 0.00001 and 0.00001; ExAC 0.00002; TOPMed 0.00005; gnomAD 0.00006; ESP Exome Variant Server 0.00008.
gnomAD v4.1: 10 of 1,613,436 alleles (0.00062%); highest among the groups gnomAD compares: African/African-American, 0.013%; no homozygotes.

Submissions (7):

Labcorp Genetics (formerly Invitae), Labcorp
Classification: Uncertain significance for Bloom syndrome. Last evaluated: 2026-01-08. Review status: criteria provided, single submitter. Criteria: Invitae Variant Classification Sherloc (09022015). Collection method: clinical testing. Allele origin: germline.
Comment: This sequence change replaces phenylalanine, which is neutral and non-polar, with tyrosine, which is neutral and polar, at codon 644 of the BLM protein (p.Phe644Tyr). This variant is present in population databases (rs371023654, gnomAD 0.02%). This variant has not been reported in the literature in individuals affected with BLM-related conditions. ClinVar contains an entry for this variant (Variation ID: 641824). Invitae Evidence Modeling of protein sequence and biophysical properties (such as structural, functional, and spatial information, amino acid conservation, physicochemical variation, residue mobility, and thermodynamic stability) indicates that this missense variant is not expected to disrupt BLM protein function with a negative predictive value of 80%. In summary, the available evidence is currently insufficient to determine the role of this variant in disease. Therefore, it has been classified as a Variant of Uncertain Significance.

Ambry Genetics
Classification: Uncertain significance for Hereditary cancer-predisposing syndrome. Last evaluated: 2024-03-21. Review status: criteria provided, single submitter. Criteria: Ambry Variant Classification Scheme 2023. Collection method: clinical testing. Allele origin: germline.
Comment: The p.F644Y variant (also known as c.1931T>A), located in coding exon 7 of the BLM gene, results from a T to A substitution at nucleotide position 1931. The phenylalanine at codon 644 is replaced by tyrosine, an amino acid with highly similar properties. This amino acid position is highly conserved in available vertebrate species. In addition, the in silico prediction for this alteration is inconclusive. Since supporting evidence is limited at this time, the clinical significance of this alteration remains unclear.

Quest Diagnostics Nichols Institute San Juan Capistrano
Classification: Uncertain significance. Last evaluated: 2023-10-03. Review status: criteria provided, single submitter. Criteria: Quest Diagnostics criteria. Collection method: clinical testing. Allele origin: unknown.

St. Jude Molecular Pathology, St. Jude Children's Research Hospital
Classification: Uncertain significance for Bloom syndrome. Last evaluated: 2022-10-04. Review status: criteria provided, single submitter. Criteria: St. Jude Assertion Criteria 2020. Collection method: clinical testing. Allele origin: germline.
Comment: The BLM c.1931T>A (p.Phe644Tyr) missense change has a maximum subpopulation frequency of 0.024% in gnomAD v2.1.1. The in silico tool REVEL is inconclusive about a pathogenic or benign effect of this variant on protein function, and to our knowledge functional studies have not been performed. To our knowledge, this variant has not been reported in individuals with Bloom syndrome.  In summary, the evidence currently available is insufficient to determine the clinical significance of this variant. It has therefore been classified as of uncertain significance.

Department of Pathology and Laboratory Medicine, Sinai Health System
Classification: Uncertain significance for colorectal cancer. Last evaluated: 2020-06-17. Review status: criteria provided, single submitter. Criteria: ACMG Guidelines, 2015. Collection method: research. Allele origin: germline.

Genetic Services Laboratory, University of Chicago
Classification: Uncertain significance. Last evaluated: 2020-02-28. Review status: criteria provided, single submitter. Criteria: ACMG Guidelines, 2015. Collection method: clinical testing. Allele origin: germline. Affected: no.
Comment: DNA sequence analysis of the BLM gene demonstrated a sequence change, c.1931T>A, in exon 8 that results in an amino acid change, p.Phe644Tyr. This sequence change does not appear to have been previously described in patients with BLM-related disorders and has been described in the gnomAD database with a frequency of 0.024% in the African sub-population (dbSNP rs371023654). The p.Phe644Tyr change affects a moderately conserved amino acid residue located in a domain of the BLM protein that is not known to be functional. In-silico pathogenicity prediction tools (SIFT, PolyPhen2, Align GVGD, REVEL) provide contradictory results for the p.Phe644Tyr substitution. Due to these contrasting evidences and the lack of functional studies, the clinical significance of the p.Phe644Tyr change remains unknown at this time.

Natera, Inc.
Classification: Uncertain significance for Bloom syndrome. Last evaluated: 2020-09-16. Review status: no assertion criteria provided. Collection method: clinical testing. Allele origin: germline. Not counted in ClinVar's aggregate classification.

NM_000057.4(BLM):c.1931T>A (p.Phe644Tyr)

Gene: BLM (BLM RecQ like helicase; plus strand). Cytogenetic location: 15q26.1.
Variant type: single nucleotide variant.
Coding change: c.1931T>A on transcript NM_000057.4 (MANE Select); coding-DNA position 1931, T replaced by A.
Protein change: p.Phe644Tyr; replaces phenylalanine 644 with tyrosine.
Molecular consequence: missense variant.
Genome position (GRCh38, 1-based): chr15:90,763,014, T>A. VCF-style: chr15-90763014-T-A. GRCh37 (hg19) VCF-style: chr15-91306244-T-A.
Other names: c.1931T>A, p.Phe644Tyr (NM_001287246.2, NM_001287247.2); c.806T>A, p.Phe269Tyr (NM_001287248.2); short protein forms F644Y, F269Y.
Identifiers: ClinVar variation 641824 (VCV000641824.20), dbSNP rs371023654, ClinGen allele CA7738619.